The following is an entry in ClinVar:

NM_000051.4(ATM):c.3185A>G (p.Asn1062Ser)

Gene: ATM (ATM serine/threonine kinase; plus strand). Cytogenetic location: 11q22.3.
Variant type: single nucleotide variant.
Coding change: c.3185A>G on transcript NM_000051.4 (MANE Select); coding-DNA position 3185, A replaced by G.
Protein change: p.Asn1062Ser; replaces asparagine 1062 with serine.
Molecular consequence: missense variant.
Genome position (GRCh38, 1-based): chr11:108,272,753, A>G. VCF-style: chr11-108272753-A-G. GRCh37 (hg19) VCF-style: chr11-108143480-A-G.
Other names: c.3185A>G, p.Asn1062Ser (NM_001351834.2); short protein forms N1062S.
Identifiers: ClinVar variation 3232887 (VCV003232887.1), dbSNP rs756292232, ClinGen allele CA228357886.

ClinVar aggregate classification (germline): Uncertain significance (1 of 4 stars; one submission).

Conditions:
Hereditary cancer-predisposing syndrome. Also called: Neoplastic Syndromes, Hereditary; Tumor predisposition; Hereditary neoplastic syndrome; Hereditary Cancer Syndrome. Identifiers: Orphanet 140162, MedGen C0027672, MeSH D009386, MONDO:0015356.

Submission:

Ambry Genetics
Classification: Uncertain significance for Hereditary cancer-predisposing syndrome. Last evaluated: 2023-11-15. Review status: criteria provided, single submitter. Criteria: Ambry Variant Classification Scheme 2023. Collection method: clinical testing. Allele origin: germline.
Comment: The p.N1062S variant (also known as c.3185A>G), located in coding exon 21 of the ATM gene, results from an A to G substitution at nucleotide position 3185. The asparagine at codon 1062 is replaced by serine, an amino acid with highly similar properties. This amino acid position is conserved. In addition, this alteration is predicted to be tolerated by in silico analysis. Since supporting evidence is limited at this time, the clinical significance of this alteration remains unclear.